The following is an entry in ClinVar:

ClinVar aggregate classification (germline): Uncertain significance (1 of 4 stars; one submission).

Conditions:
Alstrom syndrome (ALMS). Identifiers: Orphanet 64, MedGen C0268425, MONDO:0008763, OMIM 203800.

Allele frequency attached by ClinVar (database versions not stated): gnomAD 0.00001.
gnomAD v4.1: 2 of 1,613,424 alleles (0.00012%); highest among the groups gnomAD compares: Non-Finnish European, 0.00017%; no homozygotes.

Submission:

Labcorp Genetics (formerly Invitae), Labcorp
Classification: Uncertain significance for Alstrom syndrome. Last evaluated: 2023-05-23. Review status: criteria provided, single submitter. Criteria: Invitae Variant Classification Sherloc (09022015). Collection method: clinical testing. Allele origin: germline.
Comment: ClinVar contains an entry for this variant (Variation ID: 1476761). This variant has not been reported in the literature in individuals affected with ALMS1-related conditions. This variant is present in population databases (no rsID available, gnomAD 0.007%). This sequence change replaces leucine, which is neutral and non-polar, with arginine, which is basic and polar, at codon 827 of the ALMS1 protein (p.Leu827Arg). In summary, the available evidence is currently insufficient to determine the role of this variant in disease. Therefore, it has been classified as a Variant of Uncertain Significance. Experimental studies and prediction algorithms are not available or were not evaluated, and the functional significance of this variant is currently unknown.

NM_001378454.1(ALMS1):c.2477T>G (p.Leu826Arg)

Gene: ALMS1 (ALMS1 centrosome and basal body associated protein; plus strand). Cytogenetic location: 2p13.1.
Variant type: single nucleotide variant.
Coding change: c.2477T>G on transcript NM_001378454.1 (MANE Select); coding-DNA position 2477, T replaced by G.
Protein change: p.Leu826Arg; replaces leucine 826 with arginine.
Molecular consequence: missense variant.
Genome position (GRCh38, 1-based): chr2:73,449,004, T>G. VCF-style: chr2-73449004-T-G. GRCh37 (hg19) VCF-style: chr2-73676131-T-G.
Other names: c.2480T>G, p.Leu827Arg (NM_015120.4); short protein forms L826R, L827R.
Identifiers: ClinVar variation 1476761 (VCV001476761.4), dbSNP rs1343407616, ClinGen allele CA347270238.
Genomic context (GRCh38, chr2:73,449,004, plus strand): 5'-TACCCTCTAGTGCATACTCACACAGAGAGAAGCTCCTTGTTTTCTACCAACAGGCCTTGC[T>G]GGACAGCCATCTACCCGAAGAGGCTCTGAAAGTTTCAGCTGTTTCTGGACCAGCTGACGG-3'
Protein context (NP_001365383.1, residues 816-836): KLLVFYQQAL[Leu826Arg]DSHLPEEALK